The following is an entry in ClinVar:

ClinVar aggregate classification (germline): Conflicting classifications of pathogenicity. Review status: criteria provided, conflicting classifications (1 of 4 stars). 13 submissions from 13 submitters: Uncertain significance (5); Benign (2); Likely benign (6). Last evaluated 2026-01-27.

Conditions:
PALB2-related disorder. Also called: PALB2-related condition; PALB2-related disorders.
Breast-ovarian cancer, familial, susceptibility to, 5 (BROVCA5). Identifiers: MedGen C5830615, MONDO:0957530, OMIM 620442.
Hereditary cancer-predisposing syndrome. Also called: Neoplastic Syndromes, Hereditary; Hereditary Cancer Syndrome; Tumor predisposition; Hereditary neoplastic syndrome. Identifiers: Orphanet 140162, MedGen C0027672, MeSH D009386, MONDO:0015356.
Familial cancer of breast. Also called: Hereditary breast cancer; hereditary breast carcinoma; BREAST CANCER, FAMILIAL. Identifiers: Orphanet 227535, MedGen C0346153, MONDO:0016419, OMIM 114480. Disease mechanism: loss of function.
Fanconi anemia complementation group N. Also called: PALB2-Related Fanconi Anemia. Identifiers: Orphanet 84, MedGen C1835817, MONDO:0012565, OMIM 610832. Disease mechanism: loss of function.

Allele frequency attached by ClinVar (database versions not stated): gnomAD 0.00002; TOPMed 0.00002; gnomAD exomes 0.00003 and 0.00005; ExAC 0.00007.
gnomAD v4.1: 55 of 1,613,870 alleles (0.0034%); highest among the groups gnomAD compares: South Asian, 0.032%; no homozygotes.

Submissions (13):

Labcorp Genetics (formerly Invitae), Labcorp
Classification: Likely benign for Familial cancer of breast. Last evaluated: 2026-01-27. Review status: criteria provided, single submitter. Criteria: Invitae Variant Classification Sherloc (09022015). Collection method: clinical testing. Allele origin: germline.

Center for Genomic Medicine, Rigshospitalet, Copenhagen University Hospital
Classification: Likely benign. Last evaluated: 2025-03-04. Review status: criteria provided, single submitter. Criteria: ACMG Guidelines, 2015. Collection method: clinical testing. Allele origin: germline.

Myriad Genetics, Inc.
Classification: Benign for Familial cancer of breast. Last evaluated: 2025-01-14. Review status: criteria provided, single submitter. Criteria: Myriad Autosomal Dominant, Autosomal Recessive and X-Linked Classification Criteria (2023). Collection method: clinical testing. Allele origin: unknown.
Comment: This variant is considered benign. This variant is a silent/synonymous amino acid change and it is not expected to impact splicing.

Ambry Genetics
Classification: Likely benign for Hereditary cancer-predisposing syndrome. Last evaluated: 2024-08-27. Review status: criteria provided, single submitter. Criteria: Ambry Variant Classification Scheme 2023. Collection method: clinical testing. Allele origin: germline.

CeGaT Center for Human Genetics Tuebingen
Classification: Likely benign. Last evaluated: 2024-06-01. Review status: criteria provided, single submitter. Criteria: CeGaT Center For Human Genetics Tuebingen Variant Classification Criteria Version 2. Collection method: clinical testing. Allele origin: germline. Affected: yes. Observed: 1 variant allele.
Comment: PALB2: BP4, BP7

Women's Health and Genetics/Laboratory Corporation of America, LabCorp
Classification: Likely benign. Last evaluated: 2023-06-10. Review status: criteria provided, single submitter. Criteria: LabCorp Variant Classification Summary - May 2015. Collection method: clinical testing. Allele origin: germline.

PreventionGenetics, part of Exact Sciences
Classification: Uncertain significance for PALB2-related condition. Last evaluated: 2022-12-27. Review status: criteria provided, single submitter. Criteria: ACMG Guidelines, 2015. Collection method: clinical testing. Allele origin: germline.
Comment: The PALB2 c.1767G>A variant is not predicted to result in an amino acid change (p.=). This variant may create a cryptic splice site based on available splicing prediction programs (Alamut Visual Plus v1.6.1), however, such computer prediction programs are imperfect. To our knowledge, this variant has not been reported in the literature. This variant is reported in 0.023% of alleles in individuals of South Asian descent in gnomAD and has conflicting interpretations in ClinVar ranging from uncertain significance to likely benign to benign. While this variant may be benign, at this time, the clinical significance of this variant is uncertain due to the absence of conclusive functional and genetic evidence.

Department of Pathology and Laboratory Medicine, Sinai Health System
Classification: Uncertain significance for Breast-ovarian cancer, familial, susceptibility to, 5. Last evaluated: 2021-12-15. Review status: criteria provided, single submitter. Criteria: ACMG Guidelines, 2015. Collection method: clinical testing. Allele origin: germline. Affected: yes.

Sema4
Classification: Uncertain significance for Hereditary cancer-predisposing syndrome. Last evaluated: 2021-11-16. Review status: criteria provided, single submitter. Criteria: Sema4 Curation Guidelines. Collection method: curation. Allele origin: germline.
Comment: The PALB2 c.1767G>A (p.T589=) variant has not been reported in the literature to our knowledge. It was observed in 7/30604 chromosomes of the South Asian subpopulation in the large and broad cohorts of the Genome Aggregation Database (PMID: 32461654), and has been reported in ClinVar (Variation ID 230075). In silico tools suggest the variant may potentially have an impact on splicing, though these predictions have not been confirmed by functional studies. The evidence is insufficient to meet ACMG/AMP criteria for classifying the variant as benign or pathogenic. Thus, the clinical significance of this variant is currently uncertain.

Quest Diagnostics Nichols Institute San Juan Capistrano
Classification: Uncertain significance. Last evaluated: 2021-07-08. Review status: criteria provided, single submitter. Criteria: Quest Diagnostics criteria. Collection method: clinical testing. Allele origin: unknown.

Illumina Laboratory Services, Illumina
Classification: Uncertain significance for Fanconi anemia complementation group N. Last evaluated: 2018-01-13. Review status: criteria provided, single submitter. Criteria: ICSL Variant Classification Criteria 13 December 2019. Collection method: clinical testing. Allele origin: germline.

Color Diagnostics, LLC DBA Color Health
Classification: Likely benign for Hereditary cancer-predisposing syndrome. Last evaluated: 2017-03-29. Review status: criteria provided, single submitter. Criteria: ACMG Guidelines, 2015. Collection method: clinical testing. Allele origin: germline.

GeneDx
Classification: Benign. Last evaluated: 2015-06-25. Review status: criteria provided, single submitter. Criteria: GeneDx Variant Classification (06012015). Collection method: clinical testing. Allele origin: germline. Affected: yes.
Comment: This variant is considered likely benign or benign based on one or more of the following criteria: it is a conservative change, it occurs at a poorly conserved position in the protein, it is predicted to be benign by multiple in silico algorithms, and/or has population frequency not consistent with disease.

NM_024675.4(PALB2):c.1767G>A (p.Thr589=)

Gene: PALB2 (partner and localizer of BRCA2; minus strand). Cytogenetic location: 16p12.2.
Variant type: single nucleotide variant.
Coding change: c.1767G>A on transcript NM_024675.4 (MANE Select); coding-DNA position 1767, G replaced by A.
Protein change: p.Thr589=; no amino-acid change (threonine 589 retained).
Molecular consequence: synonymous variant.
Genome position (GRCh38, 1-based): chr16:23,630,387, C>T on the plus strand (G>A on the coding strand, the complement: PALB2 is on the minus strand). VCF-style: chr16-23630387-C-T. GRCh37 (hg19) VCF-style: chr16-23641708-C-T.
Identifiers: ClinVar variation 230075 (VCV000230075.50), dbSNP rs769849072, ClinGen allele CA7963663.